The following is an entry in ClinVar:

NM_003072.5(SMARCA4):c.-8C>T

Gene: SMARCA4 (SWI/SNF related BAF chromatin remodeling complex subunit ATPase 4; plus strand). Cytogenetic location: 19p13.2.
Variant type: single nucleotide variant.
Coding change: c.-8C>T on transcript NM_003072.5 (MANE Select); 8 bases upstream of the start codon, C replaced by T.
Molecular consequence: 5 prime UTR variant. On other transcripts: non-coding transcript variant (1).
Genome position (GRCh38, 1-based): chr19:10,984,144, C>T. VCF-style: chr19-10984144-C-T. GRCh37 (hg19) VCF-style: chr19-11094820-C-T.
Other names: c.-8C>T (NM_001128844.3, NM_001128845.2, NM_001128846.2 and 6 more transcripts).
Identifiers: ClinVar variation 3339053 (VCV003339053.1).

ClinVar aggregate classification (germline): Uncertain significance (1 of 4 stars; one submission).

gnomAD v4.1: 6 of 1,613,562 alleles (0.00037%); highest among the groups gnomAD compares: Non-Finnish European, 0.00051%; no homozygotes.

Submission:

Women's Health and Genetics/Laboratory Corporation of America, LabCorp
Classification: Uncertain significance. Last evaluated: 2024-07-08. Review status: criteria provided, single submitter. Criteria: LabCorp Variant Classification Summary - May 2015. Collection method: clinical testing. Allele origin: germline.
Comment: Variant summary: SMARCA4 c.-8C>T is located in the untranslated mRNA region upstream of the initiation codon. The variant allele was found at a frequency of 4e-06 in 247706 control chromosomes. The available data on variant occurrences in the general population are insufficient to allow any conclusion about variant significance. To our knowledge, no occurrence of c.-8C>T in individuals affected with Coffin-Siris Syndrome and no experimental evidence demonstrating its impact on protein function have been reported. No submitters have cited clinical-significance assessments for this variant to ClinVar. Based on the evidence outlined above, the variant was classified as uncertain significance.